The following is an entry in ClinVar:

ClinVar aggregate classification (germline): Uncertain significance. Review status: criteria provided, multiple submitters, no conflicts (2 of 4 stars). 3 submissions from 3 submitters: Uncertain significance (3). Last evaluated 2026-04-01.

Conditions:
Hereditary cancer-predisposing syndrome. Also called: Hereditary neoplastic syndrome; Tumor predisposition; Hereditary Cancer Syndrome; Neoplastic Syndromes, Hereditary. Identifiers: Orphanet 140162, MedGen C0027672, MeSH D009386, MONDO:0015356.
Retinoblastoma (RB1). Also called: RETINOBLASTOMA, SOMATIC. Identifiers: Orphanet 790, MedGen C0035335, MeSH D012175, MONDO:0008380, OMIM 180200, HP:0009919. Disease mechanism: loss of function. Inheritance: Both sporadic and heritable forms are tested..

Allele frequency attached by ClinVar (database versions not stated): gnomAD exomes below 0.00001; ExAC 0.00001.
gnomAD v4.1: 4 of 1,613,896 alleles (0.00025%); highest among the groups gnomAD compares: South Asian, 0.0011%; no homozygotes.

Submissions (3):

CeGaT Center for Human Genetics Tuebingen
Classification: Uncertain significance. Last evaluated: 2026-04-01. Review status: criteria provided, single submitter. Criteria: CeGaT Center For Human Genetics Tuebingen Variant Classification Criteria Version 2. Collection method: clinical testing. Allele origin: germline. Affected: yes. Observed: 1 variant allele.
Comment: RB1: PP3

Ambry Genetics
Classification: Uncertain significance for Hereditary cancer-predisposing syndrome. Last evaluated: 2025-07-09. Review status: criteria provided, single submitter. Criteria: Ambry Variant Classification Scheme 2023. Collection method: clinical testing. Allele origin: germline.
Comment: The p.Y771H variant (also known as c.2311T>C), located in coding exon 22 of the RB1 gene, results from a T to C substitution at nucleotide position 2311. The tyrosine at codon 771 is replaced by histidine, an amino acid with similar properties. This amino acid position is highly conserved in available vertebrate species. In addition, the in silico prediction for this alteration is inconclusive. Since supporting evidence is limited at this time, the clinical significance of this alteration remains unclear.

Labcorp Genetics (formerly Invitae), Labcorp
Classification: Uncertain significance for Retinoblastoma. Last evaluated: 2021-08-06. Review status: criteria provided, single submitter. Criteria: Invitae Variant Classification Sherloc (09022015). Collection method: clinical testing. Allele origin: germline.
Comment: In summary, the available evidence is currently insufficient to determine the role of this variant in disease. Therefore, it has been classified as a Variant of Uncertain Significance. Algorithms developed to predict the effect of missense changes on protein structure and function are either unavailable or do not agree on the potential impact of this missense change (SIFT: "Tolerated"; PolyPhen-2: "Probably Damaging"; Align-GVGD: "Class C0"). This variant has not been reported in the literature in individuals affected with RB1-related conditions. This variant is present in population databases (rs746038522, ExAC 0.006%). This sequence change replaces tyrosine with histidine at codon 771 of the RB1 protein (p.Tyr771His). The tyrosine residue is highly conserved and there is a moderate physicochemical difference between tyrosine and histidine.

NM_000321.3(RB1):c.2311T>C (p.Tyr771His)

Gene: RB1 (RB transcriptional corepressor 1; plus strand). Cytogenetic location: 13q14.2.
Variant type: single nucleotide variant.
Coding change: c.2311T>C on transcript NM_000321.3 (MANE Select); coding-DNA position 2311, T replaced by C.
Protein change: p.Tyr771His; replaces tyrosine 771 with histidine.
Molecular consequence: missense variant.
Genome position (GRCh38, 1-based): chr13:48,465,097, T>C. VCF-style: chr13-48465097-T-C. GRCh37 (hg19) VCF-style: chr13-49039233-T-C.
Other names: short protein forms Y771H.
Identifiers: ClinVar variation 1437768 (VCV001437768.11), dbSNP rs746038522, ClinGen allele CA035138.